The following is an entry in ClinVar:

NM_002878.4(RAD51D):c.887C>T (p.Ala296Val)

Genes: RAD51D (RAD51 paralog D; minus strand), RAD51L3-RFFL (RAD51L3-RFFL readthrough; minus strand). Cytogenetic location: 17q12.
Variant type: single nucleotide variant.
Coding change: c.887C>T on transcript NM_002878.4 (MANE Select); coding-DNA position 887, C replaced by T.
Protein change: p.Ala296Val; replaces alanine 296 with valine.
Molecular consequence: missense variant. On other transcripts: non-coding transcript variant (3).
Genome position (GRCh38, 1-based): chr17:35,101,217, G>A on the plus strand (C>T on the coding strand, the complement: RAD51D is on the minus strand). VCF-style: chr17-35101217-G-A. GRCh37 (hg19) VCF-style: chr17-33428236-G-A.
Other names: c.947C>T, p.Ala316Val (NM_001142571.2); c.551C>T, p.Ala184Val (NM_133629.3); short protein forms A184V, A316V, A296V.
Identifiers: ClinVar variation 3312409 (VCV003312409.1).

ClinVar aggregate classification (germline): Uncertain significance (1 of 4 stars; one submission).

Conditions:
Hereditary cancer-predisposing syndrome. Also called: Neoplastic Syndromes, Hereditary; Tumor predisposition; Hereditary neoplastic syndrome; Hereditary Cancer Syndrome. Identifiers: Orphanet 140162, MedGen C0027672, MeSH D009386, MONDO:0015356.

Submission:

Ambry Genetics
Classification: Uncertain significance for Hereditary cancer-predisposing syndrome. Last evaluated: 2024-05-25. Review status: criteria provided, single submitter. Criteria: Ambry Variant Classification Scheme 2023. Collection method: clinical testing. Allele origin: germline.
Comment: The p.A296V variant (also known as c.887C>T), located in coding exon 9 of the RAD51D gene, results from a C to T substitution at nucleotide position 887. The alanine at codon 296 is replaced by valine, an amino acid with similar properties. This amino acid position is conserved. In addition, this alteration is predicted to be tolerated by in silico analysis. Based on the available evidence, the clinical significance of this variant remains unclear.